The following is an entry in ClinVar:

ClinVar aggregate classification (germline): Uncertain significance. Review status: criteria provided, single submitter (1 of 4 stars). 2 submissions from 2 submitters: Uncertain significance (1). 1 of the submissions does not count toward it. Last evaluated 2024-07-30.

Conditions:
NLRP12-related disorder. Also called: NLRP12-related condition; NLRP12-related conditions.
Familial cold autoinflammatory syndrome 2 (FCAS2). Identifiers: Orphanet 247868, MedGen C2673198, MONDO:0012724, OMIM 611762.

Allele frequency attached by ClinVar (database versions not stated): ExAC 0.00002; gnomAD 0.00002; TOPMed 0.00002; gnomAD exomes 0.00003.
gnomAD v4.1: 40 of 1,614,058 alleles (0.0025%); highest among the groups gnomAD compares: Non-Finnish European, 0.0032%; no homozygotes.

Submissions (2):

Labcorp Genetics (formerly Invitae), Labcorp
Classification: Uncertain significance for Familial cold autoinflammatory syndrome 2. Last evaluated: 2024-07-30. Review status: criteria provided, single submitter. Criteria: Invitae Variant Classification Sherloc (09022015). Collection method: clinical testing. Allele origin: germline.
Comment: This sequence change replaces asparagine, which is neutral and polar, with serine, which is neutral and polar, at codon 496 of the NLRP12 protein (p.Asn496Ser). This variant is present in population databases (rs747701592, gnomAD 0.007%). This variant has not been reported in the literature in individuals affected with NLRP12-related conditions. ClinVar contains an entry for this variant (Variation ID: 1931329). Advanced modeling of protein sequence and biophysical properties (such as structural, functional, and spatial information, amino acid conservation, physicochemical variation, residue mobility, and thermodynamic stability) performed at Invitae indicates that this missense variant is not expected to disrupt NLRP12 protein function with a negative predictive value of 80%. In summary, the available evidence is currently insufficient to determine the role of this variant in disease. Therefore, it has been classified as a Variant of Uncertain Significance.

PreventionGenetics, part of Exact Sciences
Classification: Uncertain significance for NLRP12-related condition. Last evaluated: 2024-07-01. Review status: no assertion criteria provided. Collection method: clinical testing. Allele origin: germline. Not counted in ClinVar's aggregate classification.
Comment: The NLRP12 c.1487A>G variant is predicted to result in the amino acid substitution p.Asn496Ser. To our knowledge, this variant has not been reported in the literature. This variant is reported in 0.0062% of alleles in individuals of African descent in gnomAD. At this time, the clinical significance of this variant is uncertain due to the absence of conclusive functional and genetic evidence.

NM_144687.4(NLRP12):c.1487A>G (p.Asn496Ser)

Gene: NLRP12 (NLR family pyrin domain containing 12; minus strand). Cytogenetic location: 19q13.42.
Variant type: single nucleotide variant.
Coding change: c.1487A>G on transcript NM_144687.4 (MANE Select); coding-DNA position 1487, A replaced by G.
Protein change: p.Asn496Ser; replaces asparagine 496 with serine.
Molecular consequence: missense variant.
Genome position (GRCh38, 1-based): chr19:53,810,172, T>C on the plus strand (A>G on the coding strand, the complement: NLRP12 is on the minus strand). VCF-style: chr19-53810172-T-C. GRCh37 (hg19) VCF-style: chr19-54313426-T-C.
Other names: c.1487A>G (NM_144687.3); c.1487A>G, p.Asn496Ser (NM_001277126.2, NM_001277129.1); short protein forms N496S.
Identifiers: ClinVar variation 1931329 (VCV001931329.6), dbSNP rs747701592, ClinGen allele CA9639418.